The following is an entry in ClinVar:

ClinVar aggregate classification (germline): Uncertain significance (1 of 4 stars; one submission).

Conditions:
Severe combined immunodeficiency due to DNA-PKcs deficiency. Also called: IMMUNODEFICIENCY 26 WITH NEUROLOGIC ABNORMALITIES; Immunodeficiency 26 with or without neurologic abnormalities. Identifiers: Orphanet 317425, MedGen C4014833, MONDO:0014423, OMIM 615966.

Allele frequency attached by ClinVar (database versions not stated): gnomAD exomes below 0.00001.
gnomAD v4.1: 7 of 1,541,876 alleles (0.00045%); highest among the groups gnomAD compares: South Asian, 0.0013%; no homozygotes.

Submission:

Labcorp Genetics (formerly Invitae), Labcorp
Classification: Uncertain significance for Severe combined immunodeficiency due to DNA-PKcs deficiency. Last evaluated: 2024-12-07. Review status: criteria provided, single submitter. Criteria: Invitae Variant Classification Sherloc (09022015). Collection method: clinical testing. Allele origin: germline.
Comment: This sequence change affects codon 3186 of the PRKDC mRNA. It is a 'silent' change, meaning that it does not change the encoded amino acid sequence of the PRKDC protein. It affects a nucleotide within the consensus splice site. This variant is present in population databases (no rsID available, gnomAD 0.001%). This variant has not been reported in the literature in individuals affected with PRKDC-related conditions. ClinVar contains an entry for this variant (Variation ID: 1519600). Experimental studies and prediction algorithms are not available or were not evaluated, and the functional significance of this variant is currently unknown. Algorithms developed to predict the effect of sequence changes on RNA splicing suggest that this variant is not likely to affect RNA splicing. In summary, the available evidence is currently insufficient to determine the role of this variant in disease. Therefore, it has been classified as a Variant of Uncertain Significance.

NM_006904.7(PRKDC):c.9558A>G (p.Arg3186=)

Gene: PRKDC (protein kinase, DNA-activated, catalytic subunit; minus strand). Cytogenetic location: 8q11.21.
Variant type: single nucleotide variant.
Coding change: c.9558A>G on transcript NM_006904.7 (MANE Select); coding-DNA position 9558, A replaced by G.
Protein change: p.Arg3186=; no amino-acid change (arginine 3186 retained).
Molecular consequence: synonymous variant.
Genome position (GRCh38, 1-based): chr8:47,807,326, T>C on the plus strand (A>G on the coding strand, the complement: PRKDC is on the minus strand). VCF-style: chr8-47807326-T-C. GRCh37 (hg19) VCF-style: chr8-48719887-T-C.
Other names: c.9558A>G, p.Arg3186= (NM_001081640.2).
Identifiers: ClinVar variation 1519600 (VCV001519600.7), dbSNP rs1395770181, ClinGen allele CA460606277.